The following is an entry in ClinVar:

NM_001080517.3(SETD5):c.3589C>T (p.Pro1197Ser)

Gene: SETD5 (SET domain containing 5; plus strand). Cytogenetic location: 3p25.3.
Variant type: single nucleotide variant.
Coding change: c.3589C>T on transcript NM_001080517.3 (MANE Select); coding-DNA position 3589, C replaced by T.
Protein change: p.Pro1197Ser; replaces proline 1197 with serine.
Molecular consequence: missense variant.
Genome position (GRCh38, 1-based): chr3:9,474,540, C>T. VCF-style: chr3-9474540-C-T. GRCh37 (hg19) VCF-style: chr3-9516224-C-T.
Other names: c.3295C>T, p.Pro1099Ser (NM_001292043.2, NM_001349451.2); short protein forms P1099S, P1197S.
Identifiers: ClinVar variation 3906783 (VCV003906783.1).

ClinVar aggregate classification (germline): Uncertain significance (1 of 4 stars; one submission).

gnomAD v4.1: 1 of 1,613,860 alleles (0.000062%); highest among the groups gnomAD compares: Non-Finnish European, 0.000085%; no homozygotes.

Submission:

GeneDx
Classification: Uncertain significance. Last evaluated: 2024-12-17. Review status: criteria provided, single submitter. Criteria: GeneDx Variant Classification Process June 2021. Collection method: clinical testing. Allele origin: germline. Affected: yes.
Comment: Not observed at significant frequency in large population cohorts (gnomAD); In silico analysis indicates that this missense variant does not alter protein structure/function; Has not been previously published as pathogenic or benign to our knowledge